The following is an entry in ClinVar:

ClinVar aggregate classification (germline): Uncertain significance. Review status: criteria provided, multiple submitters, no conflicts (2 of 4 stars). 3 submissions from 3 submitters: Uncertain significance (2). 1 of the submissions does not count toward it. Last evaluated 2025-08-04.

Conditions:
Inborn genetic diseases. Identifiers: MedGen C0950123, MeSH D030342.

Allele frequency attached by ClinVar (database versions not stated): gnomAD 0.00001; TOPMed below 0.00001; ExAC 0.00003.
gnomAD v4.1: 25 of 1,613,896 alleles (0.0015%); highest among the groups gnomAD compares: South Asian, 0.0066%; no homozygotes.

Submissions (3):

Labcorp Genetics (formerly Invitae), Labcorp
Classification: Uncertain significance. Last evaluated: 2025-08-04. Review status: criteria provided, single submitter. Criteria: Invitae Variant Classification Sherloc (09022015). Collection method: clinical testing. Allele origin: germline.
Comment: This sequence change replaces arginine, which is basic and polar, with tryptophan, which is neutral and slightly polar, at codon 1999 of the CACNA1D protein (p.Arg1999Trp). This variant is present in population databases (rs777154919, gnomAD 0.01%). This variant has not been reported in the literature in individuals affected with CACNA1D-related conditions. ClinVar contains an entry for this variant (Variation ID: 2400622). An algorithm developed to predict the effect of missense changes on protein structure and function (PolyPhen-2) suggests that this variant is likely to be disruptive. In summary, the available evidence is currently insufficient to determine the role of this variant in disease. Therefore, it has been classified as a Variant of Uncertain Significance.

Ambry Genetics
Classification: Uncertain significance for Inborn genetic diseases. Last evaluated: 2023-01-10. Review status: criteria provided, single submitter. Criteria: Ambry Variant Classification Scheme 2023. Collection method: clinical testing. Allele origin: germline.
Comment: The c.5995C>T (p.R1999W) alteration is located in exon 48 (coding exon 48) of the CACNA1D gene. This alteration results from a C to T substitution at nucleotide position 5995, causing the arginine (R) at amino acid position 1999 to be replaced by a tryptophan (W). The p.R1999W alteration is predicted to be tolerated by in silico analysis. Based on insufficient or conflicting evidence, the clinical significance of this alteration remains unclear.

Genetics and Genomic Medicine Centre, NeuroGen Healthcare, NeuroGen Healthcare
Classification: Uncertain significance. Last evaluated: 2020-12-08. Review status: no assertion criteria provided. Collection method: clinical testing. Allele origin: unknown. Affected: yes. Not counted in ClinVar's aggregate classification.

NM_001128840.3(CACNA1D):c.5935C>T (p.Arg1979Trp)

Gene: CACNA1D (calcium voltage-gated channel subunit alpha1 D; plus strand). Cytogenetic location: 3p21.1.
Variant type: single nucleotide variant.
Coding change: c.5935C>T on transcript NM_001128840.3 (MANE Select); coding-DNA position 5935, C replaced by T.
Protein change: p.Arg1979Trp; replaces arginine 1979 with tryptophan.
Molecular consequence: missense variant.
Genome position (GRCh38, 1-based): chr3:53,810,041, C>T. VCF-style: chr3-53810041-C-T. GRCh37 (hg19) VCF-style: chr3-53844068-C-T.
Other names: c.5995C>T, p.Arg1999Trp (NM_000720.4); c.5863C>T, p.Arg1955Trp (NM_001128839.3); short protein forms R1955W, R1999W, R1979W.
Identifiers: ClinVar variation 2400622 (VCV002400622.7), dbSNP rs777154919, ClinGen allele CA2455325.
Genomic context (GRCh38, chr3:53,810,041, plus strand): 5'-ATGGCAGTTGCCGGCCTAGATTCAAGTAAAGCCCAGAAGTACTCACCGAGTCACTCGACC[C>T]GGTCGTGGGCCACCCCTCCAGCAACCCCTCCCTACCGGGACTGGACACCGTGCTACACCC-3'
Protein context (NP_001122312.1, residues 1969-1989): AQKYSPSHST[Arg1979Trp]SWATPPATPP